The following is an entry in ClinVar:

ClinVar aggregate classification (germline): Pathogenic/Likely pathogenic. Review status: criteria provided, multiple submitters, no conflicts (2 of 4 stars). 3 submissions from 3 submitters: Pathogenic (1); Likely pathogenic (2). Last evaluated 2025-04-18.

Conditions:
Polycystic kidney disease 4 (PKD4). Also called: POLYCYSTIC KIDNEY AND HEPATIC DISEASE 1; POLYCYSTIC KIDNEY DISEASE, INFANTILE, TYPE I; POLYCYSTIC KIDNEY DISEASE 4 WITH OR WITHOUT POLYCYSTIC LIVER DISEASE; PKD3; Autosomal Recessive Polycystic Kidney Disease – PKHD1. Identifiers: MedGen C4540575, MONDO:0033004, OMIM 263200.
Autosomal recessive polycystic kidney disease (ARPKD). Also called: AR polycystic kidney disease. Identifiers: Orphanet 731, Orphanet 8378, MedGen C0085548, MeSH D017044, MONDO:0009889.

Submissions (3):

Natera, Inc.
Classification: Likely pathogenic for Autosomal recessive polycystic kidney disease. Last evaluated: 2025-04-18. Review status: criteria provided, single submitter. Criteria: Natera Variant Classification Schema (03/2026). Collection method: clinical testing. Allele origin: germline.
Comment: The c.10134G>A variant in PKHD1 is a nonsense variant predicted to introduce a stop codon at amino acid 3378. This variant is expected to result in nonsense mediated decay, truncation, or a dysfunctional protein product. This variant is rare in the general population with a frequency below the threshold expected for the associated phenotype(s). Given the available evidence, this variant is classified as Likely Pathogenic.

Fulgent Genetics
Classification: Likely pathogenic for Polycystic kidney disease 4. Last evaluated: 2024-06-16. Review status: criteria provided, single submitter. Criteria: ACMG Guidelines, 2015. Collection method: clinical testing. Allele origin: germline.

Labcorp Genetics (formerly Invitae), Labcorp
Classification: Pathogenic for Autosomal recessive polycystic kidney disease. Last evaluated: 2020-03-03. Review status: criteria provided, single submitter. Criteria: Invitae Variant Classification Sherloc (09022015). Collection method: clinical testing. Allele origin: germline.
Comment: This variant is not present in population databases (ExAC no frequency). For these reasons, this variant has been classified as Pathogenic. Loss-of-function variants in PKHD1 are known to be pathogenic (PMID: 19940839). This variant has not been reported in the literature in individuals with PKHD1-related conditions. This sequence change creates a premature translational stop signal (p.Trp3378*) in the PKHD1 gene. It is expected to result in an absent or disrupted protein product.

Literature cited by the submitters: PubMed 19940839 (cited by Labcorp Genetics (formerly Invitae), Labcorp).

NM_138694.4(PKHD1):c.10134G>A (p.Trp3378Ter)

Gene: PKHD1 (PKHD1 ciliary IPT domain containing fibrocystin/polyductin; minus strand). Cytogenetic location: 6p12.3.
Variant type: single nucleotide variant.
Coding change: c.10134G>A on transcript NM_138694.4 (MANE Select); coding-DNA position 10134, G replaced by A.
Protein change: p.Trp3378Ter; replaces tryptophan 3378 with a stop codon.
Molecular consequence: nonsense.
Genome position (GRCh38, 1-based): chr6:51,744,407, C>T on the plus strand (G>A on the coding strand, the complement: PKHD1 is on the minus strand). VCF-style: chr6-51744407-C-T. GRCh37 (hg19) VCF-style: chr6-51609205-C-T.
Other names: c.10134G>A, p.Trp3378Ter (NM_170724.3); c.10134G>A (NM_138694.3); short protein forms W3378*.
Identifiers: ClinVar variation 1076940 (VCV001076940.9), dbSNP rs2150962096, ClinGen allele CA364418070.